The following is an entry in ClinVar:

ClinVar aggregate classification (germline): Uncertain significance (1 of 4 stars; one submission).

Conditions:
Autosomal dominant hypocalcemia 1 (HYPOC1). Also called: HYPOCALCEMIA, FAMILIAL. Identifiers: MedGen C3715128, MONDO:0011013, OMIM 601198.
Familial hypocalciuric hypercalcemia (FHH). Also called: Familial benign hypercalcemia. Identifiers: Orphanet 405, MedGen C1809471, MONDO:0018458.

Submission:

Labcorp Genetics (formerly Invitae), Labcorp
Classification: Uncertain significance for Familial hypocalciuric hypercalcemia; Autosomal dominant hypocalcemia 1. Last evaluated: 2020-03-29. Review status: criteria provided, single submitter. Criteria: Invitae Variant Classification Sherloc (09022015). Collection method: clinical testing. Allele origin: germline.
Comment: This sequence change replaces isoleucine with leucine at codon 61 of the CASR protein (p.Ile61Leu). The isoleucine residue is highly conserved and there is a small physicochemical difference between isoleucine and leucine. In summary, the available evidence is currently insufficient to determine the role of this variant in disease. Therefore, it has been classified as a Variant of Uncertain Significance. Algorithms developed to predict the effect of missense changes on protein structure and function are either unavailable or do not agree on the potential impact of this missense change (SIFT: "Tolerated"; PolyPhen-2: "Benign"; Align-GVGD: "Class C0"). This variant has not been reported in the literature in individuals with CASR-related conditions. This variant is not present in population databases (ExAC no frequency).

NM_000388.4(CASR):c.181A>C (p.Ile61Leu)

Gene: CASR (calcium sensing receptor; plus strand). Cytogenetic location: 3q21.1.
Variant type: single nucleotide variant.
Coding change: c.181A>C on transcript NM_000388.4 (MANE Select); coding-DNA position 181, A replaced by C.
Protein change: p.Ile61Leu; replaces isoleucine 61 with leucine.
Molecular consequence: missense variant.
Genome position (GRCh38, 1-based): chr3:122,254,370, A>C. VCF-style: chr3-122254370-A-C. GRCh37 (hg19) VCF-style: chr3-121973217-A-C.
Other names: c.181A>C, p.Ile61Leu (NM_001178065.2); short protein forms I61L.
Identifiers: ClinVar variation 1016242 (VCV001016242.9), dbSNP rs2074531605, ClinGen allele CA354362306.